The following is an entry in ClinVar:

NM_001378120.1(MBD5):c.4043G>A (p.Ser1348Asn)

Gene: MBD5 (methyl-CpG binding domain protein 5; plus strand). Cytogenetic location: 2q23.1.
Variant type: single nucleotide variant.
Coding change: c.4043G>A on transcript NM_001378120.1 (MANE Select); coding-DNA position 4043, G replaced by A.
Protein change: p.Ser1348Asn; replaces serine 1348 with asparagine.
Molecular consequence: missense variant.
Genome position (GRCh38, 1-based): chr2:148,489,675, G>A. VCF-style: chr2-148489675-G-A. GRCh37 (hg19) VCF-style: chr2-149247244-G-A.
Other names: c.3344G>A, p.Ser1115Asn (NM_018328.5); short protein forms S1348N, S1115N.
Identifiers: ClinVar variation 3666524 (VCV003666524.2).

ClinVar aggregate classification (germline): Uncertain significance (1 of 4 stars; one submission).

Conditions:
Intellectual developmental disorder, autosomal dominant 1. Also called: MBD5 Haploinsufficiency; Intellectual disability, autosomal dominant 1. Identifiers: Orphanet 228402, MedGen C1969562, MONDO:0007974, OMIM 156200.

Submission:

Labcorp Genetics (formerly Invitae), Labcorp
Classification: Uncertain significance for Intellectual developmental disorder, autosomal dominant 1. Last evaluated: 2024-10-15. Review status: criteria provided, single submitter. Criteria: Invitae Variant Classification Sherloc (09022015). Collection method: clinical testing. Allele origin: germline.
Comment: This sequence change replaces serine, which is neutral and polar, with asparagine, which is neutral and polar, at codon 1115 of the MBD5 protein (p.Ser1115Asn). This variant is not present in population databases (gnomAD no frequency). This variant has not been reported in the literature in individuals affected with MBD5-related conditions. Invitae Evidence Modeling of protein sequence and biophysical properties (such as structural, functional, and spatial information, amino acid conservation, physicochemical variation, residue mobility, and thermodynamic stability) indicates that this missense variant is not expected to disrupt MBD5 protein function with a negative predictive value of 80%. In summary, the available evidence is currently insufficient to determine the role of this variant in disease. Therefore, it has been classified as a Variant of Uncertain Significance.